The following is an entry in ClinVar:

NM_001429.4(EP300):c.2707G>A (p.Ala903Thr)

Gene: EP300 (E1A binding protein p300; plus strand). Cytogenetic location: 22q13.2.
Variant type: single nucleotide variant.
Coding change: c.2707G>A on transcript NM_001429.4 (MANE Select); coding-DNA position 2707, G replaced by A.
Protein change: p.Ala903Thr; replaces alanine 903 with threonine.
Molecular consequence: missense variant.
Genome position (GRCh38, 1-based): chr22:41,150,088, G>A. VCF-style: chr22-41150088-G-A. GRCh37 (hg19) VCF-style: chr22-41546092-G-A.
Other names: c.2629G>A, p.Ala877Thr (NM_001362843.2); short protein forms A877T, A903T.
Identifiers: ClinVar variation 3348905 (VCV003348905.1).

ClinVar aggregate classification (germline): Uncertain significance (0 of 4 stars; one submission).

Conditions:
EP300-related disorder. Also called: EP300-related condition; EP300-related disorders.

gnomAD v4.1: 2 of 1,613,478 alleles (0.00012%); highest among the groups gnomAD compares: African/African-American, 0.0027%; no homozygotes.

Submission:

PreventionGenetics, part of Exact Sciences
Classification: Uncertain significance for EP300-related condition. Last evaluated: 2024-02-09. Review status: no assertion criteria provided. Collection method: clinical testing. Allele origin: germline.
Comment: The EP300 c.2707G>A variant is predicted to result in the amino acid substitution p.Ala903Thr. To our knowledge, this variant has not been reported in the literature or in a large population database, indicating this variant is rare. At this time, the clinical significance of this variant is uncertain due to the absence of conclusive functional and genetic evidence.